The following is an entry in ClinVar:

NM_001127178.3(PIGG):c.498G>A (p.Trp166Ter)

Gene: PIGG (phosphatidylinositol glycan anchor biosynthesis class G (EMM blood group); plus strand). Cytogenetic location: 4p16.3.
Variant type: single nucleotide variant.
Coding change: c.498G>A on transcript NM_001127178.3 (MANE Select); coding-DNA position 498, G replaced by A.
Protein change: p.Trp166Ter; replaces tryptophan 166 with a stop codon.
Molecular consequence: nonsense. On other transcripts: 5 prime UTR variant (4), non-coding transcript variant (10), intron variant (1).
Genome position (GRCh38, 1-based): chr4:505,855, G>A. VCF-style: chr4-505855-G-A. GRCh37 (hg19) VCF-style: chr4-499644-G-A.
Other names: c.231G>A, p.Trp77Ter (NM_001289051.2, NM_001289053.2, NM_001289057.2 and 2 more transcripts); c.132G>A, p.Trp44Ter (NM_001289055.2); c.-390G>A (NM_001345988.2); c.498G>A, p.Trp166Ter (NM_001345989.2, NM_017733.5); c.-1128G>A (NM_001345990.2); c.-990G>A (NM_001345991.2); c.-715G>A (NM_001345994.2); c.361-2974G>A (NM_001289052.2); short protein forms W166*, W44*, W77*.
Identifiers: ClinVar variation 967701 (VCV000967701.9), dbSNP rs1418085145, ClinGen allele CA355895425.

ClinVar aggregate classification (germline): Pathogenic/Likely pathogenic. Review status: criteria provided, multiple submitters, no conflicts (2 of 4 stars). 2 submissions from 2 submitters: Pathogenic (1); Likely pathogenic (1). Last evaluated 2023-03-08.

Conditions:
Intellectual disability, autosomal recessive 53 (NEDHSCA). Also called: GLYCOSYLPHOSPHATIDYLINOSITOL BIOSYNTHESIS DEFECT 13; Mental retardation, autosomal recessive 53; NEURODEVELOPMENTAL DISORDER WITH OR WITHOUT HYPOTONIA, SEIZURES, AND CEREBELLAR ATROPHY. Identifiers: Orphanet 488635, MedGen C4310794, MONDO:0014832, OMIM 616917.

Allele frequency attached by ClinVar (database versions not stated): gnomAD 0.00001; TOPMed below 0.00001.
gnomAD v4.1: 2 of 1,613,086 alleles (0.00012%); highest among the groups gnomAD compares: Admixed American, 0.0017%; no homozygotes.

Submissions (2):

Labcorp Genetics (formerly Invitae), Labcorp
Classification: Pathogenic for Intellectual disability, autosomal recessive 53. Last evaluated: 2023-03-08. Review status: criteria provided, single submitter. Criteria: Invitae Variant Classification Sherloc (09022015). Collection method: clinical testing. Allele origin: germline.
Comment: For these reasons, this variant has been classified as Pathogenic. ClinVar contains an entry for this variant (Variation ID: 967701). This variant has not been reported in the literature in individuals affected with PIGG-related conditions. This variant is not present in population databases (gnomAD no frequency). This sequence change creates a premature translational stop signal (p.Trp166*) in the PIGG gene. It is expected to result in an absent or disrupted protein product. Loss-of-function variants in PIGG are known to be pathogenic (PMID: 26996948, 28581210, 28771251).

Laboratorio de Genetica e Diagnostico Molecular, Hospital Israelita Albert Einstein
Classification: Likely pathogenic for Intellectual disability, autosomal recessive 53. Last evaluated: 2022-08-12. Review status: criteria provided, single submitter. Criteria: ACMG Guidelines, 2015. Collection method: clinical testing. Allele origin: germline. Affected: yes.
Comment: ACMG classification criteria: PVS1 very strong, PM2 moderated

Literature cited by the submitters: PubMed 26996948 (cited by Labcorp Genetics (formerly Invitae), Labcorp); PubMed 28581210 (cited by Labcorp Genetics (formerly Invitae), Labcorp); PubMed 28771251 (cited by Labcorp Genetics (formerly Invitae), Labcorp).